The following is an entry in ClinVar:

ClinVar aggregate classification (germline): Uncertain significance. Review status: criteria provided, multiple submitters, no conflicts (2 of 4 stars). 2 submissions from 2 submitters: Uncertain significance (2). Last evaluated 2024-05-27.

Conditions:
Breast-ovarian cancer, familial, susceptibility to, 1 (BROVCA1). Also called: BRCA1 Hereditary Breast and Ovarian Cancer; OVARIAN CANCER, SUSCEPTIBILITY TO. Identifiers: Orphanet 145, MedGen C2676676, MONDO:0011450, OMIM 604370. Disease mechanism: loss of function.
Hereditary breast ovarian cancer syndrome. Also called: Hereditary breast and ovarian cancer; Hereditary breast and ovarian cancer syndrome (HBOC); BRCA1- and BRCA2-Associated Hereditary Breast and Ovarian Cancer; Hereditary breast and ovarian cancer syndrome; Breast and ovarian cancer; Hereditary breast and/or ovarian cancer syndrome. Identifiers: Orphanet 145, MedGen C0677776, MeSH D061325, MONDO:0003582. Disease mechanism: loss of function.

Submissions (2):

KCCC/NGS Laboratory, Kuwait Cancer Control Center
Classification: Uncertain significance for Breast-ovarian cancer, familial, susceptibility to, 1. Last evaluated: 2024-05-27. Review status: criteria provided, single submitter. Criteria: ACMG Guidelines, 2015. Collection method: clinical testing. Allele origin: germline. Inheritance: Autosomal dominant inheritance. Affected: yes. Observed: 1 heterozygote.
Comment: This sequence change replaces leucine, which is neutral and non-polar, with valine, which is neutral and non-polar, at codon 954 of the BRCA1 protein (p.Leu954Val). This aminoacid position is mild conserved (PhyloP=1.5) This variant is not present in population databases (gnomAD no frequency). This variant has not been reported in the literature in individuals affected with BRCA1-related conditions. In-silico predictions show benign computational verdict. In summary, the available evidence is currently insufficient to determine the role of this variant in disease. Therefore, it has been classified as a Variant of Uncertain Significance

Labcorp Genetics (formerly Invitae), Labcorp
Classification: Uncertain significance for Hereditary breast ovarian cancer syndrome. Last evaluated: 2023-07-06. Review status: criteria provided, single submitter. Criteria: Invitae Variant Classification Sherloc (09022015). Collection method: clinical testing. Allele origin: germline.
Comment: This variant has not been reported in the literature in individuals affected with BRCA1-related conditions. This sequence change replaces leucine, which is neutral and non-polar, with valine, which is neutral and non-polar, at codon 954 of the BRCA1 protein (p.Leu954Val). This variant is not present in population databases (gnomAD no frequency). Advanced modeling of protein sequence and biophysical properties (such as structural, functional, and spatial information, amino acid conservation, physicochemical variation, residue mobility, and thermodynamic stability) performed at Invitae indicates that this missense variant is not expected to disrupt BRCA1 protein function. In summary, the available evidence is currently insufficient to determine the role of this variant in disease. Therefore, it has been classified as a Variant of Uncertain Significance.

NM_007294.4(BRCA1):c.2860C>G (p.Leu954Val)

Gene: BRCA1 (BRCA1 DNA repair associated; minus strand). Cytogenetic location: 17q21.31.
Variant type: single nucleotide variant.
Coding change: c.2860C>G on transcript NM_007294.4 (MANE Select); coding-DNA position 2860, C replaced by G.
Protein change: p.Leu954Val; replaces leucine 954 with valine.
Molecular consequence: missense variant. On other transcripts: intron variant (137).
Genome position (GRCh38, 1-based): chr17:43,092,671, G>C on the plus strand (C>G on the coding strand, the complement: BRCA1 is on the minus strand). VCF-style: chr17-43092671-G-C. GRCh37 (hg19) VCF-style: chr17-41244688-G-C.
Other names: c.2650C>G, p.Leu884Val (NM_001407886.1, NM_001407887.1, NM_001407889.1 and 13 more transcripts); c.2647C>G, p.Leu883Val (NM_001407894.1, NM_001407895.1, NM_001407896.1 and 9 more transcripts); c.2737C>G, p.Leu913Val (NM_001407919.1, NM_001407937.1, NM_001407938.1 and 19 more transcripts); c.2596C>G, p.Leu866Val (NM_001407920.1, NM_001407921.1, NM_001407922.1 and 9 more transcripts); c.2593C>G, p.Leu865Val (NM_001407930.1, NM_001407931.1, NM_001407932.1 and 2 more transcripts); c.2860C>G, p.Leu954Val (NM_001407581.1, NM_001407582.1, NM_001407583.1 and 30 more transcripts); c.2857C>G, p.Leu953Val (NM_001407587.1, NM_001407590.1, NM_001407591.1 and 22 more transcripts); c.2734C>G, p.Leu912Val (NM_001407940.1, NM_001407941.1, NM_001407685.1 and 11 more transcripts); and 42 more; short protein forms L827V, L866V, L883V, L907V, L928V, L954V, L658V, L786V.
Identifiers: ClinVar variation 2736386 (VCV002736386.5), dbSNP rs730881452, ClinGen allele CA10596264.